The following is an entry in ClinVar:

NM_001012302.3(ANO9):c.146G>A (p.Arg49Gln)

Gene: ANO9 (anoctamin 9; minus strand). Cytogenetic location: 11p15.5.
Variant type: single nucleotide variant.
Coding change: c.146G>A on transcript NM_001012302.3 (MANE Select); coding-DNA position 146, G replaced by A.
Protein change: p.Arg49Gln; replaces arginine 49 with glutamine.
Molecular consequence: missense variant. On other transcripts: 5 prime UTR variant (1).
Genome position (GRCh38, 1-based): chr11:433,873, C>T on the plus strand (G>A on the coding strand, the complement: ANO9 is on the minus strand). VCF-style: chr11-433873-C-T. GRCh37 (hg19) VCF-style: chr11-433873-C-T.
Other names: c.-367G>A (NM_001347882.2); short protein forms R49Q.
Identifiers: ClinVar variation 2641051 (VCV002641051.24), dbSNP rs142684170, ClinGen allele CA5777873.

ClinVar aggregate classification (germline): Likely benign (1 of 4 stars; one submission).

Allele frequency attached by ClinVar (database versions not stated): 1000 Genomes Project 30x 0.00016; 1000 Genomes Project 0.00020; ESP Exome Variant Server 0.00078; gnomAD 0.00087; ExAC 0.00275.
gnomAD v4.1: 924 of 1,563,932 alleles (0.059%); highest among the groups gnomAD compares: Middle Eastern, 0.1%; 5 homozygotes.

Submission:

CeGaT Center for Human Genetics Tuebingen
Classification: Likely benign. Last evaluated: 2023-05-01. Review status: criteria provided, single submitter. Criteria: CeGaT Center For Human Genetics Tuebingen Variant Classification Criteria Version 2. Collection method: clinical testing. Allele origin: germline. Affected: yes. Observed: 1 variant allele.
Comment: ANO9: BP4, BS1